The following is an entry in ClinVar:

NM_014727.3(KMT2B):c.529C>T (p.Pro177Ser)

Gene: KMT2B (lysine methyltransferase 2B; plus strand). Cytogenetic location: 19q13.12.
Variant type: single nucleotide variant.
Coding change: c.529C>T on transcript NM_014727.3 (MANE Select); coding-DNA position 529, C replaced by T.
Protein change: p.Pro177Ser; replaces proline 177 with serine.
Molecular consequence: missense variant.
Genome position (GRCh38, 1-based): chr19:35,719,876, C>T. VCF-style: chr19-35719876-C-T. GRCh37 (hg19) VCF-style: chr19-36210778-C-T.
Other names: short protein forms P177S.
Identifiers: ClinVar variation 1312482 (VCV001312482.3), dbSNP rs2146433653, ClinGen allele CA405378877.

ClinVar aggregate classification (germline): Uncertain significance (1 of 4 stars; one submission).

Allele frequency attached by ClinVar (database versions not stated): gnomAD exomes 0.00001.
gnomAD v4.1: 11 of 1,613,438 alleles (0.00068%); highest among the groups gnomAD compares: Non-Finnish European, 0.00093%; no homozygotes.

Submission:

GeneDx
Classification: Uncertain significance. Last evaluated: 2025-10-02. Review status: criteria provided, single submitter. Criteria: GeneDx Variant Classification Process June 2021. Collection method: clinical testing. Allele origin: germline. Affected: yes.
Comment: Not observed at significant frequency in large population cohorts (gnomAD); In silico analysis suggests that this missense variant does not alter protein structure/function; Has not been previously published as pathogenic or benign to our knowledge